The following is an entry in ClinVar:

NM_000059.4(BRCA2):c.1495C>T (p.Gln499Ter)

Gene: BRCA2 (BRCA2 DNA repair associated; plus strand). Cytogenetic location: 13q13.1.
Variant type: single nucleotide variant.
Coding change: c.1495C>T on transcript NM_000059.4 (MANE Select); coding-DNA position 1495, C replaced by T.
Protein change: p.Gln499Ter; replaces glutamine 499 with a stop codon.
Molecular consequence: nonsense.
Genome position (GRCh38, 1-based): chr13:32,332,973, C>T. VCF-style: chr13-32332973-C-T. GRCh37 (hg19) VCF-style: chr13-32907110-C-T.
Other names: short protein forms Q499*.
Identifiers: ClinVar variation 584848 (VCV000584848.8), dbSNP rs1566223700, ClinGen allele CA387764466.

ClinVar aggregate classification (germline): Pathogenic/Likely pathogenic. Review status: criteria provided, multiple submitters, no conflicts (2 of 4 stars). 3 submissions from 3 submitters: Pathogenic (2); Likely pathogenic (1). Last evaluated 2025-12-16.

Conditions:
Hereditary cancer-predisposing syndrome. Also called: Neoplastic Syndromes, Hereditary; Hereditary neoplastic syndrome; Tumor predisposition; Hereditary Cancer Syndrome. Identifiers: Orphanet 140162, MedGen C0027672, MeSH D009386, MONDO:0015356.
Breast-ovarian cancer, familial, susceptibility to, 2 (BROVCA2). Also called: BRCA2 Hereditary Breast and Ovarian Cancer. Identifiers: Orphanet 145, MedGen C2675520, MONDO:0012933, OMIM 612555. Disease mechanism: loss of function.

Submissions (3):

Dasa
Classification: Pathogenic for Breast-ovarian cancer, familial, susceptibility to, 2. Last evaluated: 2025-12-16. Review status: criteria provided, single submitter. Criteria: DASA Assertion Criteria. Collection method: clinical testing. Allele origin: germline.
Comment: NM_000059.4(BRCA2):c.1495C>T (p.Gln499*) introduces a premature termination codon predicted to result in loss of normal protein function. Loss-of-function is an established mechanism of disease for this gene. The variant is present at low frequency in population datasets. Based on the available data, this variant is classified as pathogenic.

Color Diagnostics, LLC DBA Color Health
Classification: Pathogenic for Hereditary cancer-predisposing syndrome. Last evaluated: 2023-11-20. Review status: criteria provided, single submitter. Criteria: ACMG Guidelines, 2015. Collection method: clinical testing. Allele origin: germline.
Comment: This variant changes 1 nucleotide in exon 10 of the BRCA2 gene, creating a premature translation stop signal. This variant is expected to result in an absent or non-functional protein product. This variant has been reported in an individual with a personal or family history of BRCA2-related cancer (PMID: 29673794). This variant has not been identified in the general population by the Genome Aggregation Database (gnomAD). Loss of BRCA2 function is a known mechanism of disease. Based on the available evidence, this variant is classified as Pathogenic.

Mendelics
Classification: Likely pathogenic for Breast-ovarian cancer, familial, susceptibility to, 2. Last evaluated: 2019-05-28. Review status: criteria provided, single submitter. Criteria: Mendelics Assertion Criteria 2017. Collection method: clinical testing. Allele origin: unknown.

Literature cited by the submitters: PubMed 29673794 (cited by Color Diagnostics, LLC DBA Color Health).